The following is an entry in ClinVar:

ClinVar aggregate classification (germline): Uncertain significance (1 of 4 stars; one submission).

Allele frequency attached by ClinVar (database versions not stated): TOPMed 0.00003; gnomAD exomes 0.00001; gnomAD 0.00003.
gnomAD v4.1: 16 of 1,613,642 alleles (0.00099%); highest among the groups gnomAD compares: Admixed American, 0.0017%; no homozygotes.

Submission:

Labcorp Genetics (formerly Invitae), Labcorp
Classification: Uncertain significance. Last evaluated: 2025-06-25. Review status: criteria provided, single submitter. Criteria: Invitae Variant Classification Sherloc (09022015). Collection method: clinical testing. Allele origin: germline.
Comment: This sequence change replaces arginine, which is basic and polar, with glutamine, which is neutral and polar, at codon 97 of the FUK protein (p.Arg97Gln). This variant is present in population databases (no rsID available, gnomAD 0.003%). This variant has not been reported in the literature in individuals affected with FUK-related conditions. ClinVar contains an entry for this variant (Variation ID: 3003974). An algorithm developed to predict the effect of missense changes on protein structure and function (PolyPhen-2) suggests that this variant is likely to be disruptive. In summary, the available evidence is currently insufficient to determine the role of this variant in disease. Therefore, it has been classified as a Variant of Uncertain Significance.

NM_145059.3(FCSK):c.290G>A (p.Arg97Gln)

Gene: FCSK (fucose kinase; plus strand). Cytogenetic location: 16q22.1.
Variant type: single nucleotide variant.
Coding change: c.290G>A on transcript NM_145059.3 (MANE Select); coding-DNA position 290, G replaced by A.
Protein change: p.Arg97Gln; replaces arginine 97 with glutamine.
Molecular consequence: missense variant.
Genome position (GRCh38, 1-based): chr16:70,466,136, G>A. VCF-style: chr16-70466136-G-A. GRCh37 (hg19) VCF-style: chr16-70500039-G-A.
Other names: short protein forms R97Q.
Identifiers: ClinVar variation 3003974 (VCV003003974.3), dbSNP rs1288279655, ClinGen allele CA396561461.
Genomic context (GRCh38, chr16:70,466,136, plus strand): 5'-GAGGTGGCCTTGGGCTCTGTGCACTGAGGCTTCCTCACCAGTCCCCCGACTTCCAGGGTC[G>A]AGACTTCCCCTTTGATGACTGTGGCAGGGCTTTCACCTGCCTCCCCGTGGAGAACCCCGA-3'
Protein context (NP_659496.2, residues 87-107): SAWILILHMG[Arg97Gln]DFPFDDCGRA